The following is an entry in ClinVar:

ClinVar aggregate classification (germline): Pathogenic/Likely pathogenic. Review status: criteria provided, multiple submitters, no conflicts (2 of 4 stars). 3 submissions from 3 submitters: Pathogenic (2); Likely pathogenic (1). Last evaluated 2026-05-15.

Conditions:
DNA ligase IV deficiency. Identifiers: Orphanet 99812, MedGen C1847827, MONDO:0011686, OMIM 606593.
Multiple myeloma (MM). Also called: Plasma cell myeloma; Multiple myeloma, somatic. Identifiers: Orphanet 29073, Orphanet 85443, MedGen C0026764, MeSH D009101, MONDO:0009693, OMIM 254500, HP:0006775.
Severe combined immunodeficiency disease. Also called: Severe combined immunodeficiency; Severe Combined Immune Deficiency. Identifiers: Orphanet 183660, MedGen C0085110, MeSH D016511, MONDO:0015974, HP:0004430. Inheritance: X-Linked or Autosomal recessive.

Submissions (3):

Women's Health and Genetics/Laboratory Corporation of America, LabCorp
Classification: Pathogenic for Severe combined immunodeficiency disease. Last evaluated: 2026-05-15. Review status: criteria provided, single submitter. Criteria: LabCorp Variant Classification Summary - May 2015. Collection method: clinical testing. Allele origin: germline.
Comment: Variant summary: LIG4 c.597_600delTCAG (p.Gln200LysfsX33) results in a premature termination codon in the last exon, predicted to cause a truncation of the encoded protein, however, nonsense mediated decay is not expected to occur. The variant allele was found at a frequency of 1.6e-05 in 250162 control chromosomes. c.597_600delTCAG has been observed in at least 3 related homozygous individual(s) affected with clinical features of LIG4-related conditions (example, Madhu_2020). These report(s) do not provide unequivocal conclusions about association of the variant with disease. At least one downstream variant has been classified as Pathogenic/Likely Pathogenic (c.2592_2595delAATT, p.Ile864MetfsX25) by our lab, providing evidence that the region altered by the variant is critical to protein function. The following publication has been ascertained in the context of this evaluation (PMID: 32534991). ClinVar contains an entry for this variant (Variation ID: 1370122). Based on the evidence outlined above, the variant was classified as pathogenic.

Labcorp Genetics (formerly Invitae), Labcorp
Classification: Pathogenic for DNA ligase IV deficiency. Last evaluated: 2024-12-06. Review status: criteria provided, single submitter. Criteria: Invitae Variant Classification Sherloc (09022015). Collection method: clinical testing. Allele origin: germline.
Comment: This sequence change creates a premature translational stop signal (p.Gln200Lysfs*33) in the LIG4 gene. While this is not anticipated to result in nonsense mediated decay, it is expected to disrupt the last 712 amino acid(s) of the LIG4 protein. This variant is present in population databases (rs752339466, gnomAD 0.01%). This premature translational stop signal has been observed in individual(s) with clinical features of LIG4-related conditions (PMID: 32534991). ClinVar contains an entry for this variant (Variation ID: 1370122). This variant disrupts a region of the LIG4 protein in which other variant(s) (p.Arg814*) have been determined to be pathogenic (PMID: 11779494, 16088910). This suggests that this is a clinically significant region of the protein, and that variants that disrupt it are likely to be disease-causing. For these reasons, this variant has been classified as Pathogenic.

Fulgent Genetics
Classification: Likely pathogenic for Multiple myeloma; DNA ligase IV deficiency. Last evaluated: 2024-05-23. Review status: criteria provided, single submitter. Criteria: ACMG Guidelines, 2015. Collection method: clinical testing. Allele origin: germline.

Literature cited by the submitters: PubMed 32534991 (cited by Women's Health and Genetics/Laboratory Corporation of America, LabCorp and Labcorp Genetics (formerly Invitae), Labcorp); PubMed 11779494 (cited by Labcorp Genetics (formerly Invitae), Labcorp); PubMed 16088910 (cited by Labcorp Genetics (formerly Invitae), Labcorp).

NM_206937.2(LIG4):c.597_600del (p.Gln200fs)

Gene: LIG4 (DNA ligase 4; minus strand). Cytogenetic location: 13q33.3.
Variant type: Deletion.
Coding change: c.597_600del on transcript NM_206937.2 (MANE Select); coding-DNA positions 597 to 600, 4 bases deleted (TCAG; older notation c.597_600delTCAG).
Protein change: p.Gln200fs; shifts the reading frame from glutamine 200.
Molecular consequence: frameshift variant.
Genome position (GRCh38, 1-based): chr13:108,210,669-108,210,672, CTGA deleted on the plus strand (TCAG on the coding strand, the reverse complement: LIG4 is on the minus strand); deleting any 4 consecutive bases within chr13:108,210,669-108,210,674 gives the same sequence; the c. name uses the placement nearest the transcript's 3' end. VCF-style (leftmost placement, unchanged base first): chr13-108210668-GCTGA-G. GRCh37 (hg19) VCF-style: chr13-108863016-GCTGA-G.
Other names: c.597_600del, p.Gln200fs (NM_001098268.2, NM_001352598.2, NM_001352599.2 and 6 more transcripts); c.396_399del, p.Gln133fs (NM_001330595.2); c.633_636del, p.Gln212fs (NM_001352604.2); c.597_600delTCAG (NM_002312.3); short protein forms Q212fs, Q133fs, Q200fs.
Identifiers: ClinVar variation 1370122 (VCV001370122.8), dbSNP rs752339466, ClinGen allele CA7043821.